The following is an entry in ClinVar:

NM_002769.5(PRSS1):c.487G>A (p.Ala163Thr)

Genes: PRSS1 (serine protease 1; plus strand), TRB (T cell receptor beta locus; plus strand). Cytogenetic location: 7q34.
Variant type: single nucleotide variant.
Coding change: c.487G>A on transcript NM_002769.5 (MANE Select); coding-DNA position 487, G replaced by A.
Protein change: p.Ala163Thr; replaces alanine 163 with threonine.
Molecular consequence: missense variant.
Genome position (GRCh38, 1-based): chr7:142,752,463, G>A. VCF-style: chr7-142752463-G-A. GRCh37 (hg19) VCF-style: chr7-142460314-G-A.
Other names: short protein forms A163T.
Identifiers: ClinVar variation 825253 (VCV000825253.4), dbSNP rs557691366, ClinGen allele CA4530031.

ClinVar aggregate classification (germline): Uncertain significance (1 of 4 stars; one submission).

Conditions:
Hereditary pancreatitis (PCTT). Also called: Hereditary chronic pancreatitis; PRSS1-Related Hereditary Pancreatitis. Identifiers: Orphanet 676, MedGen C0238339, MONDO:0008185, OMIM 167800.

Allele frequency attached by ClinVar (database versions not stated): gnomAD exomes 0.00004; ExAC 0.00005; gnomAD 0.00008 and 0.00009; 1000 Genomes Project 30x 0.00016; 1000 Genomes Project 0.00020.

Submission:

Ambry Genetics
Classification: Uncertain significance for Hereditary pancreatitis. Last evaluated: 2024-01-17. Review status: criteria provided, single submitter. Criteria: Ambry Variant Classification Scheme 2023. Collection method: clinical testing. Allele origin: germline.
Comment: The p.A163T variant (also known as c.487G>A), located in coding exon 4 of the PRSS1 gene, results from a G to A substitution at nucleotide position 487. The alanine at codon 163 is replaced by threonine, an amino acid with similar properties. This alteration has been reported in a cohort of 80 patients with idiopathic chronic pancreatitis (ICP) (Sofia VM et al. Mol. Med., 2016 Sep;22:300-309). This amino acid position is not well conserved in available vertebrate species. In addition, this alteration is predicted to be tolerated by in silico analysis. Since supporting evidence is limited at this time, the clinical significance of this alteration remains unclear.

Literature cited by the submitters: PubMed 27264265.